The following is an entry in ClinVar:

ClinVar aggregate classification (germline): Conflicting classifications of pathogenicity. Review status: criteria provided, conflicting classifications (1 of 4 stars). 3 submissions from 3 submitters: Likely pathogenic (1); Uncertain significance (1). 1 of the submissions does not count toward it. Last evaluated 2023-12-30.

Conditions:
Early-infantile DEE. Also called: Early infantile epileptic encephalopathy; Early infantile epileptic encephalopathy with suppression bursts; Ohtahara syndrome. Identifiers: Orphanet 1934, MedGen C0393706, MONDO:0800491.
Severe myoclonic epilepsy in infancy (DRVT). Also called: Dravet syndrome; Severe Myoclonic Epilepsy in Infancy (SMEI); Epileptic encephalopathy, early infantile, 6 (Dravet syndrome); SEVERE MYOCLONIC EPILEPSY OF INFANCY; DEVELOPMENTAL AND EPILEPTIC ENCEPHALOPATHY 6A. Identifiers: Orphanet 33069, MedGen C0751122, MONDO:0100135, OMIM 607208.

Submissions (3):

Labcorp Genetics (formerly Invitae), Labcorp
Classification: Uncertain significance for Early-infantile DEE. Last evaluated: 2023-12-30. Review status: criteria provided, single submitter. Criteria: Invitae Variant Classification Sherloc (09022015). Collection method: clinical testing. Allele origin: germline.
Comment: This sequence change replaces glycine, which is neutral and non-polar, with serine, which is neutral and polar, at codon 343 of the SCN1A protein (p.Gly343Ser). This variant is not present in population databases (gnomAD no frequency). This variant has not been reported in the literature in individuals affected with SCN1A-related conditions. ClinVar contains an entry for this variant (Variation ID: 432714). An algorithm developed to predict the effect of missense changes on protein structure and function (PolyPhen-2) suggests that this variant is likely to be disruptive. This variant disrupts the p.Gly343 amino acid residue in SCN1A. Other variant(s) that disrupt this residue have been determined to be pathogenic (PMID: 28012175). This suggests that this residue is clinically significant, and that variants that disrupt this residue are likely to be disease-causing. In summary, the available evidence is currently insufficient to determine the role of this variant in disease. Therefore, it has been classified as a Variant of Uncertain Significance.

GeneDx
Classification: Likely pathogenic. Last evaluated: 2017-06-14. Review status: criteria provided, single submitter. Criteria: GeneDx Variant Classification (06012015). Collection method: clinical testing. Allele origin: germline. Affected: yes.
Comment: A variant that is likely pathogenic has been identified in the SCN1A gene. The G343S variant has not been published as a pathogenic variant, nor has it been reported as a benign variant to our knowledge. However, different amino acid substitutions at this same position (G343C/R/D) have been reported previously in the Human Gene Mutation Database in association with SCN1A-related disorders (Stenson et al., 2014). The G343S variant is not observed in large population cohorts (Lek et al., 2016; 1000 Genomes Consortium et al., 2015; Exome Variant Server). The G343S variant is a non-conservative amino acid substitution, which is likely to impact secondary protein structure as these residues differ in polarity, charge, size and/or other properties. This substitution occurs at a position that is conserved across species. In silico analysis predicts this variant is probably damaging to the protein structure/function. Therefore, this variant is likely pathogenic; however, the possibility that it is benign cannot be excluded.

Department of Child Neurology, National Center Hospital, National Center of Neurology and Psychiatry
Classification: Pathogenic for Severe myoclonic epilepsy in infancy. Last evaluated: 2024-12-16. Review status: flagged submission. Criteria: ACMG Guidelines, 2015. Collection method: clinical testing. Allele origin: unknown. Affected: yes. Observed: 1 variant allele. Not counted in ClinVar's aggregate classification.
Comment: This variant introduces a premature stop codon, resulting in a truncating variant and is predicted to undergo nonsense-mediated mRNA decay (NMD). This variant was predicted to be deleterious by multiple in silico tools. Based on the American College of Medical Genetics and Genomics (ACMG) standards and guidelines, as well as recommendations from the ClinGen Sequence Variant Interpretation Working Group, this variant was classified as pathogenic.
ClinVar note: Notes: Submission appears to be for the wrong variant.
ClinVar note: Reason: Other submission error

Literature cited by the submitters: PubMed 28012175 (cited by Labcorp Genetics (formerly Invitae), Labcorp).

NM_001165963.4(SCN1A):c.1027G>A (p.Gly343Ser)

Gene: SCN1A (sodium voltage-gated channel alpha subunit 1; minus strand). Cytogenetic location: 2q24.3.
Variant type: single nucleotide variant.
Coding change: c.1027G>A on transcript NM_001165963.4 (MANE Select); coding-DNA position 1027, G replaced by A.
Protein change: p.Gly343Ser; replaces glycine 343 with serine.
Molecular consequence: missense variant. On other transcripts: 5 prime UTR variant (1), non-coding transcript variant (1).
Genome position (GRCh38, 1-based): chr2:166,048,887, C>T on the plus strand (G>A on the coding strand, the complement: SCN1A is on the minus strand). VCF-style: chr2-166048887-C-T. GRCh37 (hg19) VCF-style: chr2-166905397-C-T.
Other names: c.1027G>A, p.Gly343Ser (NM_001165964.3, NM_001202435.3, NM_001353948.2 and 10 more transcripts); c.-1399G>A (NM_001353961.2); c.1027G>A (NM_001165963.3); short protein forms G343S.
Identifiers: ClinVar variation 432714 (VCV000432714.5), dbSNP rs1553548063, ClinGen allele CA349071541.